The following is an entry in ClinVar:

NM_022437.3(ABCG8):c.1046T>A (p.Phe349Tyr)

Gene: ABCG8 (ATP binding cassette subfamily G member 8; plus strand). Cytogenetic location: 2p21.
Variant type: single nucleotide variant.
Coding change: c.1046T>A on transcript NM_022437.3 (MANE Select); coding-DNA position 1046, T replaced by A.
Protein change: p.Phe349Tyr; replaces phenylalanine 349 with tyrosine.
Molecular consequence: missense variant.
Genome position (GRCh38, 1-based): chr2:43,872,057, T>A. VCF-style: chr2-43872057-T-A. GRCh37 (hg19) VCF-style: chr2-44099196-T-A.
Other names: c.1046T>A, p.Phe349Tyr (NM_001357321.2); short protein forms F349Y.
Identifiers: ClinVar variation 2696518 (VCV002696518.3), dbSNP rs752742682, ClinGen allele CA346668869.
Genomic context (GRCh38, chr2:43,872,057, plus strand): 5'-GGCGCAGCAGAGAGCAGGAATTGGCCACCAGGGAGAAGGCTCAGTCACTCGCAGCCCTGT[T>A]TCTAGAAAAAGTGCGTGACTTAGATGACTTTCTATGGAAAGCAGAGACGAAGGATCTTGA-3'
Protein context (NP_071882.1, residues 339-359): REKAQSLAAL[Phe349Tyr]LEKVRDLDDF

ClinVar aggregate classification (germline): Uncertain significance (1 of 4 stars; one submission).

Submission:

Labcorp Genetics (formerly Invitae), Labcorp
Classification: Uncertain significance. Last evaluated: 2023-11-17. Review status: criteria provided, single submitter. Criteria: Invitae Variant Classification Sherloc (09022015). Collection method: clinical testing. Allele origin: germline.
Comment: This sequence change replaces phenylalanine, which is neutral and non-polar, with tyrosine, which is neutral and polar, at codon 349 of the ABCG8 protein (p.Phe349Tyr). This variant is not present in population databases (gnomAD no frequency). This variant has not been reported in the literature in individuals affected with ABCG8-related conditions. Advanced modeling of protein sequence and biophysical properties (such as structural, functional, and spatial information, amino acid conservation, physicochemical variation, residue mobility, and thermodynamic stability) performed at Invitae indicates that this missense variant is not expected to disrupt ABCG8 protein function with a negative predictive value of 80%. In summary, the available evidence is currently insufficient to determine the role of this variant in disease. Therefore, it has been classified as a Variant of Uncertain Significance.